The following is an entry in ClinVar:

NM_000532.5(PCCB):c.1393G>A (p.Ala465Thr)

Gene: PCCB (propionyl-CoA carboxylase subunit beta; plus strand). Cytogenetic location: 3q22.3.
Variant type: single nucleotide variant.
Coding change: c.1393G>A on transcript NM_000532.5 (MANE Select); coding-DNA position 1393, G replaced by A.
Protein change: p.Ala465Thr; replaces alanine 465 with threonine.
Molecular consequence: missense variant.
Genome position (GRCh38, 1-based): chr3:136,327,727, G>A. VCF-style: chr3-136327727-G-A. GRCh37 (hg19) VCF-style: chr3-136046569-G-A.
Other names: c.1453G>A, p.Ala485Thr (NM_001178014.2); short protein forms A485T, A465T.
Identifiers: ClinVar variation 1484296 (VCV001484296.5), dbSNP rs774232001, ClinGen allele CA2632163.
Genomic context (GRCh38, chr3:136,327,727, plus strand): 5'-AAGCACCTTTGTGGTGATACCAACTATGCCTGGCCCACCGCAGAGATTGCAGTCATGGGA[G>A]CAAAGGTGAGGGCCTCTTGCTTTTCCCTTTCTGGGTCCAAGGACTCGACTCTACCAGCGA-3'
Protein context (NP_000523.2, residues 455-475): WPTAEIAVMG[Ala465Thr]KGAVEIIFKG

ClinVar aggregate classification (germline): Uncertain significance (1 of 4 stars; one submission).

Conditions:
Propionic acidemia (PROP). Also called: GLYCINEMIA, KETOTIC; HYPERGLYCINEMIA WITH KETOACIDOSIS AND LEUKOPENIA; KETOTIC HYPERGLYCINEMIA. Identifiers: Orphanet 35, MedGen C0268579, MONDO:0011628, OMIM 606054, HP:0003571.

gnomAD v4.1: 17 of 1,612,466 alleles (0.0011%); highest among the groups gnomAD compares: Non-Finnish European, 0.0014%; no homozygotes.

Submission:

Labcorp Genetics (formerly Invitae), Labcorp
Classification: Uncertain significance for Propionic acidemia. Last evaluated: 2022-05-05. Review status: criteria provided, single submitter. Criteria: Invitae Variant Classification Sherloc (09022015). Collection method: clinical testing. Allele origin: germline.
Comment: This sequence change replaces alanine, which is neutral and non-polar, with threonine, which is neutral and polar, at codon 465 of the PCCB protein (p.Ala465Thr). This variant is present in population databases (rs774232001, gnomAD 0.0009%). This variant has not been reported in the literature in individuals affected with PCCB-related conditions. Advanced modeling of protein sequence and biophysical properties (such as structural, functional, and spatial information, amino acid conservation, physicochemical variation, residue mobility, and thermodynamic stability) performed at Invitae indicates that this missense variant is expected to disrupt PCCB protein function. In summary, the available evidence is currently insufficient to determine the role of this variant in disease. Therefore, it has been classified as a Variant of Uncertain Significance.